The following is an entry in ClinVar:

NM_001042545.2(LTBP4):c.1953G>A (p.Pro651=)

Gene: LTBP4 (latent transforming growth factor beta binding protein 4; plus strand). Cytogenetic location: 19q13.2.
Variant type: single nucleotide variant.
Coding change: c.1953G>A on transcript NM_001042545.2 (MANE Select); coding-DNA position 1953, G replaced by A.
Protein change: p.Pro651=; no amino-acid change (proline 651 retained).
Molecular consequence: synonymous variant.
Genome position (GRCh38, 1-based): chr19:40,611,294, G>A. VCF-style: chr19-40611294-G-A. GRCh37 (hg19) VCF-style: chr19-41117200-G-A.
Other names: c.2154G>A, p.Pro718= (NM_001042544.1); c.2043G>A, p.Pro681= (NM_003573.2).
Identifiers: ClinVar variation 721699 (VCV000721699.14), dbSNP rs371903094, ClinGen allele CA9448482.
Genomic context (GRCh38, chr19:40,611,294, plus strand): 5'-CCCGGCTGGCTTCCGGGGCTCGGCGTGTGAAGAGGATGTGGATGAGTGTGCCCAGGAGCC[G>A]CCGCCCTGTGGGCCCGGCCGCTGTGACAACACGGCAGGCTCCTTTCACTGTGCCTGCCCT-3'
Protein context (NP_001036010.1, residues 641-661): EEDVDECAQE[Pro651=]PPCGPGRCDN

ClinVar aggregate classification (germline): Benign. Review status: criteria provided, multiple submitters, no conflicts (2 of 4 stars). 4 submissions from 4 submitters: Benign (4). Last evaluated 2026-07-06.

Conditions:
Cutis laxa with severe pulmonary, gastrointestinal and urinary anomalies. Also called: LTBP4-Related Cutis Laxa; URBAN-RIFKIN-DAVIS SYNDROME; Cutis laxa, autosomal recessive, type IC. Identifiers: Orphanet 221145, MedGen C2750804, MONDO:0013170, OMIM 613177. Disease mechanism: loss of function.
LTBP4-related disorder. Also called: LTBP4-related condition.

Allele frequency attached by ClinVar (database versions not stated): gnomAD 0.00005 and 0.00060; ESP Exome Variant Server 0.00016; TOPMed 0.00016; gnomAD exomes 0.00104 and 0.00201; ExAC 0.00247; 1000 Genomes Project 30x 0.00484; 1000 Genomes Project 0.00519.
gnomAD v4.1: 1,609 of 1,611,112 alleles (0.1%); highest among the groups gnomAD compares: South Asian, 1.6%; 28 homozygotes.

Submissions (4):

PreventionGenetics, part of Exact Sciences
Classification: Benign for LTBP4-related condition. Last evaluated: 2026-07-06. Review status: criteria provided, single submitter. Criteria: ACMG Guidelines, 2015. Collection method: clinical testing. Allele origin: germline.
Comment: This variant is classified as benign based on ACMG/AMP sequence variant interpretation guidelines (Richards et al. 2015 PMID: 25741868, with internal and published modifications).

Labcorp Genetics (formerly Invitae), Labcorp
Classification: Benign. Last evaluated: 2026-02-02. Review status: criteria provided, single submitter. Criteria: Invitae Variant Classification Sherloc (09022015). Collection method: clinical testing. Allele origin: germline.

GeneDx
Classification: Benign. Last evaluated: 2019-03-22. Review status: criteria provided, single submitter. Criteria: GeneDx Variant Classification Process June 2021. Collection method: clinical testing. Allele origin: germline. Affected: yes.

Illumina Laboratory Services, Illumina
Classification: Benign for Cutis laxa with severe pulmonary, gastrointestinal and urinary anomalies. Last evaluated: 2018-01-13. Review status: criteria provided, single submitter. Criteria: ICSL Variant Classification Criteria 13 December 2019. Collection method: clinical testing. Allele origin: germline.
Comment: This variant was observed in the ICSL laboratory as part of a predisposition screen in an ostensibly healthy population. It had not been previously curated by ICSL or reported in the Human Gene Mutation Database (HGMD: prior to June 1st, 2018), and was therefore a candidate for classification through an automated scoring system. Utilizing variant allele frequency, disease prevalence and penetrance estimates, and inheritance mode, an automated score was calculated to assess if this variant is too frequent to cause the disease. Based on the score and internal cut-off values, a variant classified as benign is not then subjected to further curation. The score for this variant resulted in a classification of benign for this disease.